The following is an entry in ClinVar:

NM_018062.4(FANCL):c.474T>A (p.Tyr158Ter)

Gene: FANCL (FA complementation group L; minus strand). Cytogenetic location: 2p16.1.
Variant type: single nucleotide variant.
Coding change: c.474T>A on transcript NM_018062.4 (MANE Select); coding-DNA position 474, T replaced by A.
Protein change: p.Tyr158Ter; replaces tyrosine 158 with a stop codon.
Molecular consequence: nonsense.
Genome position (GRCh38, 1-based): chr2:58,198,660, A>T on the plus strand (T>A on the coding strand, the complement: FANCL is on the minus strand). VCF-style: chr2-58198660-A-T. GRCh37 (hg19) VCF-style: chr2-58425795-A-T.
Other names: c.474T>A, p.Tyr158Ter (NM_001114636.2, NM_001374615.1, NM_001410792.1); short protein forms Y158*.
Identifiers: ClinVar variation 934222 (VCV000934222.8), dbSNP rs1689679880, ClinGen allele CA347033992.

ClinVar aggregate classification (germline): Pathogenic (1 of 4 stars; one submission).

Conditions:
Fanconi anemia (FA). Also called: Fanconi's anemia. Identifiers: Orphanet 84, MedGen C0015625, MeSH D005199, MONDO:0019391.

Submission:

Labcorp Genetics (formerly Invitae), Labcorp
Classification: Pathogenic for Fanconi anemia. Last evaluated: 2022-07-19. Review status: criteria provided, single submitter. Criteria: Invitae Variant Classification Sherloc (09022015). Collection method: clinical testing. Allele origin: germline.
Comment: For these reasons, this variant has been classified as Pathogenic. Algorithms developed to predict the effect of sequence changes on RNA splicing suggest that this variant may disrupt the consensus splice site. ClinVar contains an entry for this variant (Variation ID: 934222). This variant has not been reported in the literature in individuals affected with FANCL-related conditions. This variant is not present in population databases (gnomAD no frequency). This sequence change creates a premature translational stop signal (p.Tyr158*) in the FANCL gene. It is expected to result in an absent or disrupted protein product. Loss-of-function variants in FANCL are known to be pathogenic (PMID: 19405097, 23613520).

Literature cited by the submitters: PubMed 19405097; PubMed 23613520.